The following is an entry in ClinVar:

NM_005359.6(SMAD4):c.760A>G (p.Thr254Ala)

Gene: SMAD4 (SMAD family member 4; plus strand). Cytogenetic location: 18q21.2.
Variant type: single nucleotide variant.
Coding change: c.760A>G on transcript NM_005359.6 (MANE Select); coding-DNA position 760, A replaced by G.
Protein change: p.Thr254Ala; replaces threonine 254 with alanine.
Molecular consequence: missense variant.
Genome position (GRCh38, 1-based): chr18:51,058,217, A>G. VCF-style: chr18-51058217-A-G. GRCh37 (hg19) VCF-style: chr18-48584587-A-G.
Other names: short protein forms T254A.
Identifiers: ClinVar variation 567309 (VCV000567309.13), dbSNP rs1284924848, ClinGen allele CA402463058.

ClinVar aggregate classification (germline): Conflicting classifications of pathogenicity. Review status: criteria provided, conflicting classifications (1 of 4 stars). 3 submissions from 3 submitters: Uncertain significance (2); Likely benign (1). Last evaluated 2026-08-07.

Conditions:
Hereditary cancer-predisposing syndrome. Also called: Hereditary Cancer Syndrome; Tumor predisposition; Hereditary neoplastic syndrome; Neoplastic Syndromes, Hereditary. Identifiers: Orphanet 140162, MedGen C0027672, MeSH D009386, MONDO:0015356.
Familial thoracic aortic aneurysm and aortic dissection (TAAD). Also called: Thoracic aortic aneurysms and dissections. Identifiers: Orphanet 91387, MedGen C4707243, MONDO:0019625.
Juvenile polyposis syndrome (JPS). Identifiers: Orphanet 2929, MedGen C0345893, MONDO:0017380, OMIM 174900.

Allele frequency attached by ClinVar (database versions not stated): gnomAD exomes below 0.00001.
gnomAD v4.1: 1 of 1,614,224 alleles (0.000062%); highest among the groups gnomAD compares: Non-Finnish European, 0.000085%; no homozygotes.

Submissions (3):

Ambry Genetics
Classification: Likely benign for Hereditary cancer-predisposing syndrome; Familial thoracic aortic aneurysm and aortic dissection. Last evaluated: 2026-08-07. Review status: criteria provided, single submitter. Criteria: Ambry Variant Classification Scheme 2023. Collection method: clinical testing. Allele origin: germline.

GeneDx
Classification: Uncertain significance. Last evaluated: 2024-07-25. Review status: criteria provided, single submitter. Criteria: GeneDx Variant Classification Process June 2021. Collection method: clinical testing. Allele origin: germline. Affected: yes.
Comment: Not observed at significant frequency in large population cohorts (gnomAD); In silico analysis indicates that this missense variant does not alter protein structure/function; Has not been previously published as pathogenic or benign to our knowledge; This variant is associated with the following publications: (PMID: 15235019, 18823382, 22992590)

Labcorp Genetics (formerly Invitae), Labcorp
Classification: Uncertain significance for Juvenile polyposis syndrome. Last evaluated: 2024-04-05. Review status: criteria provided, single submitter. Criteria: Invitae Variant Classification Sherloc (09022015). Collection method: clinical testing. Allele origin: germline.
Comment: This sequence change replaces threonine, which is neutral and polar, with alanine, which is neutral and non-polar, at codon 254 of the SMAD4 protein (p.Thr254Ala). This variant is present in population databases (no rsID available, gnomAD 0.0009%). This variant has not been reported in the literature in individuals affected with SMAD4-related conditions. ClinVar contains an entry for this variant (Variation ID: 567309). Advanced modeling of protein sequence and biophysical properties (such as structural, functional, and spatial information, amino acid conservation, physicochemical variation, residue mobility, and thermodynamic stability) performed at Invitae indicates that this missense variant is not expected to disrupt SMAD4 protein function with a negative predictive value of 95%. In summary, the available evidence is currently insufficient to determine the role of this variant in disease. Therefore, it has been classified as a Variant of Uncertain Significance.